The following is an entry in ClinVar:

ClinVar aggregate classification (germline): Uncertain significance (1 of 4 stars; one submission).

Conditions:
Hypertrophic cardiomyopathy 25 (CMH25). Also called: CARDIOMYOPATHY, FAMILIAL HYPERTROPHIC, 25. Identifiers: MedGen C4225408, MONDO:0011843, OMIM 607487.
Primary familial hypertrophic cardiomyopathy (HCM). Identifiers: Orphanet 99739, MedGen C0949658, MeSH D024741, MONDO:0024573. Inheritance: Various modes of inheritance.

Submission:

Labcorp Genetics (formerly Invitae), Labcorp
Classification: Uncertain significance for Hypertrophic cardiomyopathy 25; Primary familial hypertrophic cardiomyopathy. Last evaluated: 2020-03-14. Review status: criteria provided, single submitter. Criteria: Invitae Variant Classification Sherloc (09022015). Collection method: clinical testing. Allele origin: germline.
Comment: This variant results in a copy number gain of the genomic region encompassing the full coding sequence of the TCAP gene. The boundaries of this event are unknown as they extend beyond the assayed region for this gene and therefore may encompass additional genes. As the precise location of this event is unknown, it may be in tandem or it may be located elsewhere in the genome. This variant has not been reported in the literature in individuals with TCAP-related conditions. Experimental studies and prediction algorithms are not available or were not evaluated, and the functional significance of this variant is currently unknown. In summary, the available evidence is currently insufficient to determine the role of this variant in disease. Therefore, it has been classified as a Variant of Uncertain Significance.

NC_000017.10:g.(?_37821603)_(37822372_?)dup

Gene: TCAP (titin-cap; plus strand). Cytogenetic location: 17q12.
Variant type: Duplication.
Identifiers: ClinVar variation 1046933 (VCV001046933.1).